The following is an entry in ClinVar:

ClinVar aggregate classification (germline): Benign/Likely benign. Review status: criteria provided, multiple submitters, no conflicts (2 of 4 stars). 4 submissions from 4 submitters: Benign (1); Likely benign (3). Last evaluated 2025-01-08.

Conditions:
Hereditary cancer-predisposing syndrome. Also called: Tumor predisposition; Hereditary neoplastic syndrome; Neoplastic Syndromes, Hereditary; Hereditary Cancer Syndrome. Identifiers: Orphanet 140162, MedGen C0027672, MeSH D009386, MONDO:0015356.
Familial cancer of breast. Also called: Hereditary breast cancer; BREAST CANCER, FAMILIAL; hereditary breast carcinoma. Identifiers: Orphanet 227535, MedGen C0346153, MONDO:0016419, OMIM 114480. Disease mechanism: loss of function.

Submissions (4):

Labcorp Genetics (formerly Invitae), Labcorp
Classification: Likely benign for Familial cancer of breast. Last evaluated: 2025-01-08. Review status: criteria provided, single submitter. Criteria: Invitae Variant Classification Sherloc (09022015). Collection method: clinical testing. Allele origin: germline.

Myriad Genetics, Inc.
Classification: Benign for Familial cancer of breast. Last evaluated: 2024-07-30. Review status: criteria provided, single submitter. Criteria: Myriad Autosomal Dominant, Autosomal Recessive and X-Linked Classification Criteria (2023). Collection method: clinical testing. Allele origin: unknown.
Comment: This variant is considered benign. This variant is a silent/synonymous amino acid change and it is not expected to impact splicing.

Color Diagnostics, LLC DBA Color Health
Classification: Likely benign for Hereditary cancer-predisposing syndrome. Last evaluated: 2022-07-07. Review status: criteria provided, single submitter. Criteria: ACMG Guidelines, 2015. Collection method: clinical testing. Allele origin: germline.

Ambry Genetics
Classification: Likely benign for Hereditary cancer-predisposing syndrome. Last evaluated: 2021-01-03. Review status: criteria provided, single submitter. Criteria: Ambry Variant Classification Scheme 2023. Collection method: clinical testing. Allele origin: germline.

NM_000465.4(BARD1):c.2331C>T (p.Ser777=)

Gene: BARD1 (BRCA1 associated RING domain 1; minus strand). Cytogenetic location: 2q35.
Variant type: single nucleotide variant.
Coding change: c.2331C>T on transcript NM_000465.4 (MANE Select); coding-DNA position 2331, C replaced by T.
Protein change: p.Ser777=; no amino-acid change (serine 777 retained).
Molecular consequence: synonymous variant. On other transcripts: non-coding transcript variant (3).
Genome position (GRCh38, 1-based): chr2:214,728,679, G>A on the plus strand (C>T on the coding strand, the complement: BARD1 is on the minus strand). VCF-style: chr2-214728679-G-A. GRCh37 (hg19) VCF-style: chr2-215593403-G-A.
Other names: c.2274C>T, p.Ser758= (NM_001282543.2); c.978C>T, p.Ser326= (NM_001282545.2); c.921C>T, p.Ser307= (NM_001282548.2); c.792C>T, p.Ser264= (NM_001282549.2).
Identifiers: ClinVar variation 1660587 (VCV001660587.14), dbSNP rs1692188549, ClinGen allele CA431392326.